The following is an entry in ClinVar:

ClinVar aggregate classification (germline): Uncertain significance (0 of 4 stars; one submission).

Allele frequency attached by ClinVar (database versions not stated): TOPMed 0.29536; gnomAD 0.29191 and 0.29924; gnomAD exomes 0.33772; 1000 Genomes Project 30x 0.34775; 1000 Genomes Project 0.36142.
gnomAD v4.1: 113,033 of 352,036 alleles (32%); highest among the groups gnomAD compares: East Asian, 55%; 19,148 homozygotes.

Submission:

Dept of Molecular Genetics and Enzymology, National Research Centre
Classification: Uncertain significance. Review status: no assertion criteria provided. Collection method: not provided. Allele origin: unknown.
Comment: Ventricular and atrial septal defects, and pulmonary stenosis
ClinVar note: Converted during submission from unknown to Uncertain significance.

NM_001308093.3(GATA4):c.*354A>C

Gene: GATA4 (GATA binding protein 4). Cytogenetic location: 8p23.1.
Variant type: single nucleotide variant.
Coding change: c.*354A>C on transcript NM_001308093.3 (MANE Select); 354 bases downstream of the stop codon, A replaced by C.
Molecular consequence: 3 prime UTR variant.
Genome position (GRCh38, 1-based): chr8:11,758,829, A>C. VCF-style: chr8-11758829-A-C. GRCh37 (hg19) VCF-style: chr8-11616338-A-C.
Other names: c.*354A>C (NM_001308094.2, NM_001374273.1, NM_001374274.1 and 1 more transcripts).
Identifiers: ClinVar variation 139593 (VCV000139593.2), dbSNP rs867858, ClinGen allele CA232589.
Genomic context (GRCh38, chr8:11,758,829, plus strand): 5'-CCCACTGTGGCCTAGACCGTGGGTTTTGCATTGTGTTTCTAGCACCGAGGATCTGAGAAC[A>C]AGCGGAGGGCCGGGCCCTGGGACCCCTGCTCCAGCCCGAATGACGGCATCTGTTTGCCAT-3'